The following is an entry in ClinVar:

NM_017986.4(SLC52A1):c.1142C>T (p.Ser381Leu)

Gene: SLC52A1 (solute carrier family 52 member 1; minus strand). Cytogenetic location: 17p13.2.
Variant type: single nucleotide variant.
Coding change: c.1142C>T on transcript NM_017986.4 (MANE Select); coding-DNA position 1142, C replaced by T.
Protein change: p.Ser381Leu; replaces serine 381 with leucine.
Molecular consequence: missense variant.
Genome position (GRCh38, 1-based): chr17:5,033,162, G>A on the plus strand (C>T on the coding strand, the complement: SLC52A1 is on the minus strand). VCF-style: chr17-5033162-G-A. GRCh37 (hg19) VCF-style: chr17-4936457-G-A.
Other names: c.1142C>T, p.Ser381Leu (NM_001104577.2); short protein forms S381L.
Identifiers: ClinVar variation 1436230 (VCV001436230.8), dbSNP rs201578619, ClinGen allele CA8319609.
Genomic context (GRCh38, chr17:5,033,162, plus strand): 5'-TGCAGCAGGGAGCTTGCAGCCACCTTCACATATGAGAACACACACAGACACAGCACCCAC[G>A]ACAGCACCTGCAAGGGAGGACACAGCAGCAGGCTGAGCATGACATGCACTTGCTCCAGGG-3'
Protein context (NP_060456.3, residues 371-391): TTAGVVLVVL[Ser381Leu]WVLCLCVFSY

ClinVar aggregate classification (germline): Uncertain significance (1 of 4 stars; one submission).

Conditions:
Vitamin B2 deficiency. Identifiers: MedGen C0035528.

Allele frequency attached by ClinVar (database versions not stated): ExAC 0.00007; gnomAD exomes 0.00007; 1000 Genomes Project 30x 0.00016; 1000 Genomes Project 0.00020.

Submission:

Labcorp Genetics (formerly Invitae), Labcorp
Classification: Uncertain significance for Vitamin B2 deficiency. Last evaluated: 2025-12-04. Review status: criteria provided, single submitter. Criteria: Invitae Variant Classification Sherloc (09022015). Collection method: clinical testing. Allele origin: germline.
Comment: This sequence change replaces serine, which is neutral and polar, with leucine, which is neutral and non-polar, at codon 381 of the SLC52A1 protein (p.Ser381Leu). This variant is present in population databases (rs201578619, gnomAD 0.01%). This variant has not been reported in the literature in individuals affected with SLC52A1-related conditions. ClinVar contains an entry for this variant (Variation ID: 1436230). Invitae Evidence Modeling of protein sequence and biophysical properties (such as structural, functional, and spatial information, amino acid conservation, physicochemical variation, residue mobility, and thermodynamic stability) indicates that this missense variant is not expected to disrupt SLC52A1 protein function with a negative predictive value of 80%. In summary, the available evidence is currently insufficient to determine the role of this variant in disease. Therefore, it has been classified as a Variant of Uncertain Significance.